The following is an entry in ClinVar:

Conditions:
Severe myoclonic epilepsy in infancy (DRVT). Also called: Epileptic encephalopathy, early infantile, 6 (Dravet syndrome); Dravet syndrome; SEVERE MYOCLONIC EPILEPSY OF INFANCY; DEVELOPMENTAL AND EPILEPTIC ENCEPHALOPATHY 6A; Severe Myoclonic Epilepsy in Infancy (SMEI). Identifiers: Orphanet 33069, MedGen C0751122, MONDO:0100135, OMIM 607208.

Submission:

Channelopathy-Associated Epilepsy Research Center
No classification provided (evidence only). Condition: Severe myoclonic epilepsy in infancy. Review status: no classification provided. Collection method: literature only. Allele origin: not applicable. Functional consequence: Normal peak current, Normal voltage dependence of activation, Severe depolarizing shift of voltage dependence of fast inactivation, Acceleration of recovery from fast inactivation, Normal voltage dependence of slow inactivation, Slowing of recovery from slow inactivation, Normal recovery from slow inactivation, Overall gain-of-function effect with respect to biophysical channel activity.
ClinVar note: "not provided" was previously submitted as the classification for the variant. However, the classification appeared to be based only on an observation of functional data so it was converted to no classification on 2025-07-30.

Literature cited by the submitters: PubMed 31730442.

NM_001165963.4(SCN1A):c.4981T>C (p.Phe1661Leu)

Genes: SCN1A (sodium voltage-gated channel alpha subunit 1; minus strand), LOC102724058 (uncharacterized LOC102724058; plus strand). Cytogenetic location: 2q24.3.
Variant type: single nucleotide variant.
Coding change: c.4981T>C on transcript NM_001165963.4 (MANE Select); coding-DNA position 4981, T replaced by C.
Protein change: p.Phe1661Leu; replaces phenylalanine 1661 with leucine.
Molecular consequence: missense variant. On other transcripts: non-coding transcript variant (1).
Genome position (GRCh38, 1-based): chr2:165,992,294, A>G on the plus strand (T>C on the coding strand, the complement: SCN1A is on the minus strand). VCF-style: chr2-165992294-A-G. GRCh37 (hg19) VCF-style: chr2-166848804-A-G.
Other names: c.4897T>C, p.Phe1633Leu (NM_001165964.3, NM_001353957.2, NM_001353958.2); c.4981T>C, p.Phe1661Leu (NM_001202435.3, NM_001353948.2); c.4948T>C, p.Phe1650Leu (NM_001353949.2, NM_001353950.2, NM_001353951.2 and 2 more transcripts); c.4945T>C, p.Phe1649Leu (NM_001353954.2, NM_001353955.2); c.4894T>C, p.Phe1632Leu (NM_001353960.2); c.2539T>C, p.Phe847Leu (NM_001353961.2); short protein forms F1632L, F1633L, F1649L, F1650L, F1661L, F847L.
Identifiers: ClinVar variation 3067147 (VCV003067147.2), dbSNP rs2468339599, ClinGen allele CA349069899.